The following is an entry in ClinVar:

NM_000702.4(ATP1A2):c.2967C>T (p.Phe989=)

Gene: ATP1A2 (ATPase Na+/K+ transporting subunit alpha 2; plus strand). Cytogenetic location: 1q23.2.
Variant type: single nucleotide variant.
Coding change: c.2967C>T on transcript NM_000702.4 (MANE Select); coding-DNA position 2967, C replaced by T.
Protein change: p.Phe989=; no amino-acid change (phenylalanine 989 retained).
Molecular consequence: synonymous variant.
Genome position (GRCh38, 1-based): chr1:160,139,917, C>T. VCF-style: chr1-160139917-C-T. GRCh37 (hg19) VCF-style: chr1-160109707-C-T.
Other names: p.F989F:TTC>TTT; p.Phe989=.
Identifiers: ClinVar variation 204877 (VCV000204877.52), dbSNP rs138826759, ClinGen allele CA313258.

ClinVar aggregate classification (germline): Benign/Likely benign. Review status: criteria provided, multiple submitters, no conflicts (2 of 4 stars). 15 submissions from 11 submitters: Benign (11); Likely benign (4). Last evaluated 2026-02-02.

Conditions:
Developmental and epileptic encephalopathy 98. Identifiers: MedGen C5562017, MONDO:0030472, OMIM 619605.
Fetal akinesia, respiratory insufficiency, microcephaly, polymicrogyria, and dysmorphic facies. Identifiers: MedGen C5562015, MONDO:0859204, OMIM 619602.
Inborn genetic diseases. Identifiers: MedGen C0950123, MeSH D030342.
Familial hemiplegic migraine. Identifiers: MedGen C0338484, MONDO:0000700.
Migraine, familial hemiplegic, 2. Identifiers: Orphanet 569, MedGen C1865322, MONDO:0011232, OMIM 602481.
Alternating hemiplegia of childhood 1 (AHC1). Identifiers: Orphanet 2131, MedGen C3549447, MONDO:0007087, OMIM 104290.

Allele frequency attached by ClinVar (database versions not stated): gnomAD exomes 0.00023 and 0.00055; ExAC 0.00073; gnomAD 0.00222 and 0.00235; 1000 Genomes Project 30x 0.00250; TOPMed 0.00253; 1000 Genomes Project 0.00260; ESP Exome Variant Server 0.00261.
gnomAD v4.1: 692 of 1,614,110 alleles (0.043%); highest among the groups gnomAD compares: African/African-American, 0.85%; 2 homozygotes.

Submissions (15):

Labcorp Genetics (formerly Invitae), Labcorp
Classification: Benign for Familial hemiplegic migraine. Last evaluated: 2026-02-02. Review status: criteria provided, single submitter. Criteria: Invitae Variant Classification Sherloc (09022015). Collection method: clinical testing. Allele origin: germline.

Mayo Clinic Laboratories, Mayo Clinic
Classification: Benign. Last evaluated: 2025-10-14. Review status: criteria provided, single submitter. Criteria: ACMG Guidelines, 2015. Collection method: clinical testing. Allele origin: germline. Observed: 2 variant alleles.
Comment: BA1

Blueprint Genetics
Classification: Likely benign. Last evaluated: 2024-03-19. Review status: criteria provided, single submitter. Criteria: ACMG Guidelines, 2015. Collection method: clinical testing. Allele origin: germline.

CeGaT Center for Human Genetics Tuebingen
Classification: Likely benign. Last evaluated: 2023-04-01. Review status: criteria provided, single submitter. Criteria: CeGaT Center For Human Genetics Tuebingen Variant Classification Criteria Version 2. Collection method: clinical testing. Allele origin: germline. Affected: yes. Observed: 2 variant alleles.
Comment: ATP1A2: BP4, BP7

Genome-Nilou Lab
Classification: Benign for Alternating hemiplegia of childhood 1. Last evaluated: 2021-12-05. Review status: criteria provided, single submitter. Criteria: ACMG Guidelines, 2015. Collection method: clinical testing. Allele origin: germline. Affected: no.

Genome-Nilou Lab
Classification: Benign for Developmental and epileptic encephalopathy 98. Last evaluated: 2021-12-05. Review status: criteria provided, single submitter. Criteria: ACMG Guidelines, 2015. Collection method: clinical testing. Allele origin: germline. Affected: no.

Genome-Nilou Lab
Classification: Benign for Fetal akinesia, respiratory insufficiency, microcephaly, polymicrogyria, and dysmorphic facies. Last evaluated: 2021-12-05. Review status: criteria provided, single submitter. Criteria: ACMG Guidelines, 2015. Collection method: clinical testing. Allele origin: germline. Affected: no.

Genome-Nilou Lab
Classification: Benign for Migraine, familial hemiplegic, 2. Last evaluated: 2021-12-05. Review status: criteria provided, single submitter. Criteria: ACMG Guidelines, 2015. Collection method: clinical testing. Allele origin: germline. Affected: no.

Athena Diagnostics
Classification: Benign. Last evaluated: 2019-05-24. Review status: criteria provided, single submitter. Criteria: Athena Diagnostics Criteria. Collection method: clinical testing. Allele origin: germline.

Illumina Laboratory Services, Illumina
Classification: Benign for Alternating hemiplegia of childhood 1. Last evaluated: 2018-01-13. Review status: criteria provided, single submitter. Criteria: ICSL Variant Classification Criteria 13 December 2019. Collection method: clinical testing. Allele origin: germline.
Comment: This variant was observed in the ICSL laboratory as part of a predisposition screen in an ostensibly healthy population. It had not been previously curated by ICSL or reported in the Human Gene Mutation Database (HGMD: prior to June 1st, 2018), and was therefore a candidate for classification through an automated scoring system. Utilizing variant allele frequency, disease prevalence and penetrance estimates, and inheritance mode, an automated score was calculated to assess if this variant is too frequent to cause the disease. Based on the score and internal cut-off values, a variant classified as benign is not then subjected to further curation. The score for this variant resulted in a classification of benign for this disease.

Illumina Laboratory Services, Illumina
Classification: Benign for Migraine, familial hemiplegic, 2. Last evaluated: 2018-01-13. Review status: criteria provided, single submitter. Criteria: ICSL Variant Classification Criteria 13 December 2019. Collection method: clinical testing. Allele origin: germline.
Comment: the same text as in the submission from Illumina Laboratory Services, Illumina above.

Eurofins Ntd Llc (ga)
Classification: Benign. Last evaluated: 2016-05-05. Review status: criteria provided, single submitter. Criteria: EGL Classification Definitions 2015. Collection method: clinical testing. Allele origin: germline. Observed: 1 variant allele, 1 heterozygote.

Ambry Genetics
Classification: Likely benign for Inborn genetic diseases. Last evaluated: 2016-04-18. Review status: criteria provided, single submitter. Criteria: Ambry Variant Classification Scheme 2023. Collection method: clinical testing. Allele origin: germline.

GeneDx
Classification: Benign. Last evaluated: 2014-09-24. Review status: criteria provided, single submitter. Criteria: GeneDx Variant Classification (06012015). Collection method: clinical testing. Allele origin: germline. Affected: yes.
Comment: This variant is considered likely benign or benign based on one or more of the following criteria: it is a conservative change, it occurs at a poorly conserved position in the protein, it is predicted to be benign by multiple in silico algorithms, and/or has population frequency not consistent with disease.

Breakthrough Genomics
Classification: Likely benign. Review status: criteria provided, single submitter. Criteria: ACMG Guidelines, 2015. Collection method: not provided. Allele origin: germline. Inheritance: Autosomal recessive inheritance. Affected: yes.